The following is an entry in ClinVar:

ClinVar aggregate classification (germline): Uncertain significance (1 of 4 stars; one submission).

Submission:

Greenwood Genetic Center Diagnostic Laboratories, Greenwood Genetic Center
Classification: Uncertain significance. Last evaluated: 2020-12-22. Review status: criteria provided, single submitter. Criteria: ACMG Guidelines, 2015. Collection method: clinical testing. Allele origin: germline. Affected: yes.
Comment: No ACMG evidence could be applied applied

NM_024490.4(ATP10A):c.713A>T (p.Asn238Ile)

Gene: ATP10A (ATPase phospholipid transporting 10A (putative); minus strand). Cytogenetic location: 15q12.
Variant type: single nucleotide variant.
Coding change: c.713A>T on transcript NM_024490.4 (MANE Select); coding-DNA position 713, A replaced by T.
Protein change: p.Asn238Ile; replaces asparagine 238 with isoleucine.
Molecular consequence: missense variant.
Genome position (GRCh38, 1-based): chr15:25,736,083, T>A on the plus strand (A>T on the coding strand, the complement: ATP10A is on the minus strand). VCF-style: chr15-25736083-T-A. GRCh37 (hg19) VCF-style: chr15-25981230-T-A.
Other names: short protein forms N238I.
Identifiers: ClinVar variation 1331553 (VCV001331553.4), dbSNP rs2140488785, ClinGen allele CA391356800.